The following is an entry in ClinVar:

ClinVar aggregate classification (germline): Uncertain significance (1 of 4 stars; one submission).

Submission:

Ambry Genetics
Classification: Uncertain significance. Last evaluated: 2025-10-16. Review status: criteria provided, single submitter. Criteria: Ambry Variant Classification Scheme 2023. Collection method: clinical testing. Allele origin: germline.
Comment: The p.P613S variant (also known as c.1837C>T), located in coding exon 8 of the RNF43 gene, results from a C to T substitution at nucleotide position 1837. The proline at codon 613 is replaced by serine, an amino acid with similar properties. This amino acid position is conserved. In addition, this alteration is predicted to be tolerated by in silico analysis. Based on the available evidence, the clinical significance of this variant remains unclear.

NM_017763.6(RNF43):c.1837C>T (p.Pro613Ser)

Gene: RNF43 (ring finger protein 43; minus strand). Cytogenetic location: 17q22.
Variant type: single nucleotide variant.
Coding change: c.1837C>T on transcript NM_017763.6 (MANE Select); coding-DNA position 1837, C replaced by T.
Protein change: p.Pro613Ser; replaces proline 613 with serine.
Molecular consequence: missense variant.
Genome position (GRCh38, 1-based): chr17:58,357,939, G>A on the plus strand (C>T on the coding strand, the complement: RNF43 is on the minus strand). VCF-style: chr17-58357939-G-A. GRCh37 (hg19) VCF-style: chr17-56435300-G-A.
Other names: c.1837C>T, p.Pro613Ser (NM_001305544.3, NM_001438820.1, NM_001438821.1 and 1 more transcripts); c.1456C>T, p.Pro486Ser (NM_001305545.2, NM_001437987.1); short protein forms P486S, P613S.
Identifiers: ClinVar variation 4578966 (VCV004578966.1).